The following is an entry in ClinVar:

ClinVar aggregate classification (germline): Uncertain significance (1 of 4 stars; one submission).

Allele frequency attached by ClinVar (database versions not stated): gnomAD exomes below 0.00001; ExAC 0.00001.
gnomAD v4.1: 2 of 1,613,946 alleles (0.00012%); highest among the groups gnomAD compares: East Asian, 0.0045%; no homozygotes.

Submission:

GeneDx
Classification: Uncertain significance. Last evaluated: 2022-04-25. Review status: criteria provided, single submitter. Criteria: GeneDx Variant Classification Process June 2021. Collection method: clinical testing. Allele origin: germline. Affected: yes.
Comment: In silico analysis supports that this missense variant does not alter protein structure/function; Has not been previously published as pathogenic or benign to our knowledge

NM_014159.7(SETD2):c.2751T>A (p.Ser917Arg)

Gene: SETD2 (SET domain containing 2, histone lysine methyltransferase; minus strand). Cytogenetic location: 3p21.31.
Variant type: single nucleotide variant.
Coding change: c.2751T>A on transcript NM_014159.7 (MANE Select); coding-DNA position 2751, T replaced by A.
Protein change: p.Ser917Arg; replaces serine 917 with arginine.
Molecular consequence: missense variant. On other transcripts: non-coding transcript variant (1).
Genome position (GRCh38, 1-based): chr3:47,121,885, A>T on the plus strand (T>A on the coding strand, the complement: SETD2 is on the minus strand). VCF-style: chr3-47121885-A-T. GRCh37 (hg19) VCF-style: chr3-47163375-A-T.
Other names: c.2619T>A, p.Ser873Arg (NM_001349370.3); short protein forms S873R, S917R.
Identifiers: ClinVar variation 1712720 (VCV001712720.2), dbSNP rs760615177, ClinGen allele CA2363491.
Genomic context (GRCh38, chr3:47,121,885, plus strand): 5'-AGGAAGGTCACTACCTACTTCTACTATTGTTTCTTTCCCTGCATGCTTTAAAAACTCTGA[A>T]CTTTTTTTACTCTTTAGCACTGCATCCAGAACTGGAGATGTGTTCTCTCCGCATTTCAAG-3'
Protein context (NP_054878.5, residues 907-927): VLDAVLKSKK[Ser917Arg]SEFLKHAGKE